The following is an entry in ClinVar:

NM_002181.4(IHH):c.672G>C (p.Arg224Ser)

Gene: IHH (Indian hedgehog signaling molecule; minus strand). Cytogenetic location: 2q35.
Variant type: single nucleotide variant.
Coding change: c.672G>C on transcript NM_002181.4 (MANE Select); coding-DNA position 672, G replaced by C.
Protein change: p.Arg224Ser; replaces arginine 224 with serine.
Molecular consequence: missense variant.
Genome position (GRCh38, 1-based): chr2:219,055,771, C>G on the plus strand (G>C on the coding strand, the complement: IHH is on the minus strand). VCF-style: chr2-219055771-C-G. GRCh37 (hg19) VCF-style: chr2-219920493-C-G.
Other names: c.672G>C (NM_002181.3); short protein forms R224S.
Identifiers: ClinVar variation 1502717 (VCV001502717.9), dbSNP rs369651063, ClinGen allele CA2116637.

ClinVar aggregate classification (germline): Uncertain significance. Review status: criteria provided, multiple submitters, no conflicts (2 of 4 stars). 2 submissions from 2 submitters: Uncertain significance (2). Last evaluated 2025-11-20.

Conditions:
Inborn genetic diseases. Identifiers: MedGen C0950123, MeSH D030342.

Allele frequency attached by ClinVar (database versions not stated): ExAC 0.00002; gnomAD 0.00002; gnomAD exomes 0.00004; TOPMed 0.00005; ESP Exome Variant Server 0.00008.
gnomAD v4.1: 131 of 1,613,494 alleles (0.0081%); highest among the groups gnomAD compares: Non-Finnish European, 0.01%; no homozygotes.

Submissions (2):

Ambry Genetics
Classification: Uncertain significance for Inborn genetic diseases. Last evaluated: 2025-11-20. Review status: criteria provided, single submitter. Criteria: Ambry Variant Classification Scheme 2023. Collection method: clinical testing. Allele origin: germline.

Labcorp Genetics (formerly Invitae), Labcorp
Classification: Uncertain significance. Last evaluated: 2025-08-29. Review status: criteria provided, single submitter. Criteria: Invitae Variant Classification Sherloc (09022015). Collection method: clinical testing. Allele origin: germline.
Comment: This sequence change replaces arginine, which is basic and polar, with serine, which is neutral and polar, at codon 224 of the IHH protein (p.Arg224Ser). This variant is present in population databases (rs369651063, gnomAD 0.01%). This variant has not been reported in the literature in individuals affected with IHH-related conditions. ClinVar contains an entry for this variant (Variation ID: 1502717). Invitae Evidence Modeling of protein sequence and biophysical properties (such as structural, functional, and spatial information, amino acid conservation, physicochemical variation, residue mobility, and thermodynamic stability) indicates that this missense variant is not expected to disrupt IHH protein function with a negative predictive value of 80%. In summary, the available evidence is currently insufficient to determine the role of this variant in disease. Therefore, it has been classified as a Variant of Uncertain Significance.